The following is an entry in ClinVar:

ClinVar aggregate classification (germline): Uncertain significance (1 of 4 stars; one submission).

Conditions:
Hereditary pancreatitis (PCTT). Also called: Hereditary chronic pancreatitis; PRSS1-Related Hereditary Pancreatitis. Identifiers: Orphanet 676, MedGen C0238339, MONDO:0008185, OMIM 167800.

Submission:

Labcorp Genetics (formerly Invitae), Labcorp
Classification: Uncertain significance for Hereditary pancreatitis. Last evaluated: 2025-03-17. Review status: criteria provided, single submitter. Criteria: Invitae Variant Classification Sherloc (09022015). Collection method: clinical testing. Allele origin: germline.
Comment: This sequence change replaces valine, which is neutral and non-polar, with methionine, which is neutral and non-polar, at codon 196 of the CTRC protein (p.Val196Met). This variant is not present in population databases (gnomAD no frequency). This variant has not been reported in the literature in individuals affected with CTRC-related conditions. Invitae Evidence Modeling of protein sequence and biophysical properties (such as structural, functional, and spatial information, amino acid conservation, physicochemical variation, residue mobility, and thermodynamic stability) has been performed for this missense variant. However, the output from this modeling did not meet the statistical confidence thresholds required to predict the impact of this variant on CTRC protein function. In summary, the available evidence is currently insufficient to determine the role of this variant in disease. Therefore, it has been classified as a Variant of Uncertain Significance.

NM_007272.3(CTRC):c.586G>A (p.Val196Met)

Gene: CTRC (chymotrypsin C; plus strand). Cytogenetic location: 1p36.21.
Variant type: single nucleotide variant.
Coding change: c.586G>A on transcript NM_007272.3 (MANE Select); coding-DNA position 586, G replaced by A.
Protein change: p.Val196Met; replaces valine 196 with methionine.
Molecular consequence: missense variant.
Genome position (GRCh38, 1-based): chr1:15,444,698, G>A. VCF-style: chr1-15444698-G-A. GRCh37 (hg19) VCF-style: chr1-15771193-G-A.
Other names: short protein forms V196M.
Identifiers: ClinVar variation 3705285 (VCV003705285.2).